The following is an entry in ClinVar:

ClinVar aggregate classification (germline): Uncertain significance (1 of 4 stars; one submission).

Submission:

Women's Health and Genetics/Laboratory Corporation of America, LabCorp
Classification: Uncertain significance. Last evaluated: 2026-04-27. Review status: criteria provided, single submitter. Criteria: LabCorp Variant Classification Summary - May 2015. Collection method: clinical testing. Allele origin: germline.
Comment: Variant summary: COL9A1 c.1593T>A alters a conserved nucleotide resulting in a synonymous change. Several computational tools predict a significant impact on normal splicing: Four predict the variant creates a cryptic 3' acceptor site. However, these predictions have yet to be confirmed by functional studies. The variant was absent in 251292 control chromosomes (gnomAD). The available data on variant occurrences in the general population are insufficient to allow any conclusion about variant significance. To our knowledge, no occurrence of c.1593T>A in individuals affected with COL9A1-related conditions and no experimental evidence demonstrating its impact on protein function have been reported. No submitters have cited clinical-significance assessments for this variant to ClinVar. Based on the evidence outlined above, the variant was classified as uncertain significance.

NM_001851.6(COL9A1):c.1593T>A (p.Pro531=)

Gene: COL9A1 (collagen type IX alpha 1 chain; minus strand). Cytogenetic location: 6q13.
Variant type: single nucleotide variant.
Coding change: c.1593T>A on transcript NM_001851.6 (MANE Select); coding-DNA position 1593, T replaced by A.
Protein change: p.Pro531=; no amino-acid change (proline 531 retained).
Molecular consequence: synonymous variant. On other transcripts: non-coding transcript variant (1).
Genome position (GRCh38, 1-based): chr6:70,255,168, A>T on the plus strand (T>A on the coding strand, the complement: COL9A1 is on the minus strand). VCF-style: chr6-70255168-A-T. GRCh37 (hg19) VCF-style: chr6-70964871-A-T.
Other names: c.864T>A, p.Pro288= (NM_001377289.1, NM_001377290.1, NM_078485.4).
Identifiers: ClinVar variation 4849024 (VCV004849024.1).